The following is an entry in ClinVar:

NM_170665.4(ATP2A2):c.136+11C>T

Gene: ATP2A2 (ATPase sarcoplasmic/endoplasmic reticulum Ca2+ transporting 2; plus strand). Cytogenetic location: 12q24.11.
Variant type: single nucleotide variant.
Coding change: c.136+11C>T on transcript NM_170665.4 (MANE Select); 11 bases into the intron after coding-DNA position 136, C replaced by T.
Molecular consequence: intron variant.
Genome position (GRCh38, 1-based): chr12:110,282,632, C>T. VCF-style: chr12-110282632-C-T. GRCh37 (hg19) VCF-style: chr12-110720437-C-T.
Other names: c.136+11C>T (NM_001681.4).
Identifiers: ClinVar variation 307161 (VCV000307161.5), dbSNP rs769052817, ClinGen allele CA6783603.
Genomic context (GRCh38, chr12:110,282,632, plus strand): 5'-CACATTGCTTGACGAATTTCTACATTCTACAGAGTTACCGGCTGAAGAAGGTAATCTTAA[C>T]ATGCTGTTTCTGTTTTTTTTCCTCTGTTGGTGTGCTGATGGTAAGATGACAGTTAAAACA-3'

ClinVar aggregate classification (germline): Likely benign (1 of 4 stars; one submission).

Conditions:
Keratosis follicularis (DAR). Also called: Darier disease; Darier's disease. Identifiers: Orphanet 218, MedGen C0022595, MONDO:0007417, OMIM 124200.

Allele frequency attached by ClinVar (database versions not stated): gnomAD exomes below 0.00001 and 0.00001; TOPMed below 0.00001; gnomAD 0.00001; ExAC 0.00002.
gnomAD v4.1: 4 of 1,613,624 alleles (0.00025%); highest among the groups gnomAD compares: Admixed American, 0.0067%; no homozygotes.

Submission:

Illumina Laboratory Services, Illumina
Classification: Likely benign for Keratosis follicularis. Last evaluated: 2018-01-13. Review status: criteria provided, single submitter. Criteria: ICSL Variant Classification Criteria 13 December 2019. Collection method: clinical testing. Allele origin: germline.
Comment: This variant was observed in the ICSL laboratory as part of a predisposition screen in an ostensibly healthy population. It had not been previously curated by ICSL or reported in the Human Gene Mutation Database (HGMD: prior to June 1st, 2018), and was therefore a candidate for classification through an automated scoring system. Utilizing variant allele frequency, disease prevalence and penetrance estimates, and inheritance mode, an automated score was calculated to assess if this variant is too frequent to cause the disease. Based on the score and internal cut-off values, a variant classified as likely benign is not then subjected to further curation. The score for this variant resulted in a classification of likely benign for this disease.